The following is an entry in ClinVar:

ClinVar aggregate classification (germline): Uncertain significance (1 of 4 stars; one submission).

Submission:

GeneDx
Classification: Uncertain significance. Last evaluated: 2021-11-24. Review status: criteria provided, single submitter. Criteria: GeneDx Variant Classification Process June 2021. Collection method: clinical testing. Allele origin: germline. Affected: yes.
Comment: Not observed at significant frequency in large population cohorts (gnomAD); In silico analysis supports that this missense variant has a deleterious effect on protein structure/function; Has not been previously published as pathogenic or benign to our knowledge

NM_001127222.2(CACNA1A):c.3431T>C (p.Leu1144Pro)

Gene: CACNA1A (calcium voltage-gated channel subunit alpha1 A; minus strand). Cytogenetic location: 19p13.13.
Variant type: single nucleotide variant.
Coding change: c.3431T>C on transcript NM_001127222.2 (MANE Select); coding-DNA position 3431, T replaced by C.
Protein change: p.Leu1144Pro; replaces leucine 1144 with proline.
Molecular consequence: missense variant.
Genome position (GRCh38, 1-based): chr19:13,286,625, A>G on the plus strand (T>C on the coding strand, the complement: CACNA1A is on the minus strand). VCF-style: chr19-13286625-A-G. GRCh37 (hg19) VCF-style: chr19-13397439-A-G.
Other names: c.3443T>C, p.Leu1148Pro (NM_000068.4, NM_023035.3); c.3434T>C, p.Leu1145Pro (NM_001127221.2, NM_001174080.2); short protein forms L1144P, L1145P, L1148P.
Identifiers: ClinVar variation 1687698 (VCV001687698.2), dbSNP rs1600245588, ClinGen allele CA404341386.
Genomic context (GRCh38, chr19:13,286,625, plus strand): 5'-TCGGGTTTCCTGGCAGTCTTAGCTGAATTGGTCTGGGTGCCGCTGGGGTTGGTGACGATA[A>G]GGCTATTCTCGGGGGTCTTGGGGGGGCCGGGATTGGATGGGTTCCCCGGGTTGTTGGGCG-3'
Protein context (NP_001120694.1, residues 1134-1154): PGPPKTPENS[Leu1144Pro]IVTNPSGTQT